The following is an entry in ClinVar:

ClinVar aggregate classification (germline): Uncertain significance (1 of 4 stars; one submission).

Conditions:
Developmental and epileptic encephalopathy, 36 (DEE36). Also called: ALG13-CDG; Congenital disorder of glycosylation, type Is; Epileptic encephalopathy, early infantile, 36. Identifiers: Orphanet 324422, MedGen C4317295, MONDO:0010472, OMIM 300884.

Allele frequency attached by ClinVar (database versions not stated): gnomAD exomes below 0.00001.
gnomAD v4.1: 5 of 1,195,545 alleles (0.00042%); highest among the groups gnomAD compares: Non-Finnish European, 0.00056%; no homozygotes.

Submission:

Labcorp Genetics (formerly Invitae), Labcorp
Classification: Uncertain significance for Developmental and epileptic encephalopathy, 36. Last evaluated: 2019-07-30. Review status: criteria provided, single submitter. Criteria: Invitae Variant Classification Sherloc (09022015). Collection method: clinical testing. Allele origin: germline.
Comment: In summary, the available evidence is currently insufficient to determine the role of this variant in disease. Therefore, it has been classified as a Variant of Uncertain Significance. Nucleotide substitutions within the consensus splice site are a relatively common cause of aberrant splicing (PMID: 17576681, 9536098). Algorithms developed to predict the effect of sequence changes on RNA splicing suggest that this variant is not likely to affect RNA splicing, but this prediction has not been confirmed by published transcriptional studies. This variant has not been reported in the literature in individuals with ALG13-related conditions. This variant is not present in population databases (ExAC no frequency). This sequence change falls in intron 20 of the ALG13 gene. It does not directly change the encoded amino acid sequence of the ALG13 protein, but it affects a nucleotide within the consensus splice site of the intron.

Literature cited by the submitters: PubMed 17576681; PubMed 9536098.

NM_001099922.3(ALG13):c.2402-3T>C

Gene: ALG13 (ALG13 UDP-N-acetylglucosaminyltransferase subunit; plus strand). Cytogenetic location: Xq23.
Variant type: single nucleotide variant.
Coding change: c.2402-3T>C on transcript NM_001099922.3 (MANE Select); 3 bases into the intron before coding-DNA position 2402, T replaced by C.
Molecular consequence: intron variant.
Genome position (GRCh38, 1-based): chrX:111,730,522, T>C. VCF-style: chrX-111730522-T-C. GRCh37 (hg19) VCF-style: chrX-110973750-T-C.
Other names: c.2090-3T>C (NM_001257237.2, NM_001257234.2, NM_001257230.2); c.1916-3T>C (NM_001324293.1); c.2168-3T>C (NM_001257231.2); c.2402-3T>C (NM_001324292.2).
Identifiers: ClinVar variation 958399 (VCV000958399.10), dbSNP rs1942568665, ClinGen allele CA1139667756.
Genomic context (GRCh38, chrX:111,730,522, plus strand): 5'-ATTGTTTATAGAATTTCAAGCTATAAAATAATGCTCATTTTTTACTTTGGCTATATTCTC[T>C]AGAGCCAGACTATGAAACTTCAGGTGTTTATAGCACAACTGCATCTACAGCAAACTTGGT-3'